The following is an entry in ClinVar:

NM_022455.5(NSD1):c.3796+108C>G

Gene: NSD1 (nuclear receptor binding SET domain protein 1; plus strand). Cytogenetic location: 5q35.3.
Variant type: single nucleotide variant.
Coding change: c.3796+108C>G on transcript NM_022455.5 (MANE Select); 108 bases into the intron after coding-DNA position 3796, C replaced by G.
Molecular consequence: intron variant.
Genome position (GRCh38, 1-based): chr5:177,212,303, C>G. VCF-style: chr5-177212303-C-G. GRCh37 (hg19) VCF-style: chr5-176639304-C-G.
Other names: c.3796+108C>G (NM_001409301.1, NM_001409302.1, NM_001409303.1); c.3376+108C>G (NM_001409304.1); c.3043+108C>G (NM_001409305.1); c.2923+108C>G (NM_001409306.1, NM_001409308.1, NM_001409307.1 and 3 more transcripts).
Identifiers: ClinVar variation 670474 (VCV000670474.1), dbSNP rs6556305, ClinGen allele CA132831881.
Genomic context (GRCh38, chr5:177,212,303, plus strand): 5'-TGATAAACATTGTCCTTCTGAAATTGGTCTGTTGTAATGGTAAAGTGAAGTATAAACTAG[C>G]GGGGAAGAATCATCACTTCAATGAAGAAGGAGTTTTATGTAGAAAGGTCTGAATTTTGAA-3'

ClinVar aggregate classification (germline): Benign (1 of 4 stars; one submission).

Allele frequency attached by ClinVar (database versions not stated): gnomAD exomes 0.89544; gnomAD 0.91525 and 0.91810; TOPMed 0.92048; 1000 Genomes Project 30x 0.96034; 1000 Genomes Project 0.96286.
gnomAD v4.1: 968,074 of 1,077,344 alleles (90%); highest among the groups gnomAD compares: East Asian, 100%; 436,002 homozygotes.

Submission:

GeneDx
Classification: Benign. Last evaluated: 2018-06-19. Review status: criteria provided, single submitter. Criteria: GeneDx Variant Classification (06012015). Collection method: clinical testing. Allele origin: germline. Affected: yes.
Comment: This variant is considered likely benign or benign based on one or more of the following criteria: it is a conservative change, it occurs at a poorly conserved position in the protein, it is predicted to be benign by multiple in silico algorithms, and/or has population frequency not consistent with disease.